The following is an entry in ClinVar:

ClinVar aggregate classification (germline): Uncertain significance (1 of 4 stars; one submission).

Conditions:
Spermatogenic failure 25. Identifiers: MedGen C4693765, MONDO:0054729, OMIM 617960.

Submission:

Baylor Genetics
Classification: Uncertain significance for Spermatogenic failure 25. Last evaluated: 2019-12-09. Review status: criteria provided, single submitter. Criteria: ACMG Guidelines, 2015. Collection method: clinical testing. Allele origin: unknown. Affected: yes.
Comment: This variant was determined to be of uncertain significance according to ACMG Guidelines, 2015 [PMID:25741868].

NM_001350162.2(TEX15):c.3323T>C (p.Leu1108Pro)

Gene: TEX15 (testis expressed 15, meiosis and synapsis associated; minus strand). Cytogenetic location: 8p12.
Variant type: single nucleotide variant.
Coding change: c.3323T>C on transcript NM_001350162.2 (MANE Select); coding-DNA position 3323, T replaced by C.
Protein change: p.Leu1108Pro; replaces leucine 1108 with proline.
Molecular consequence: missense variant.
Genome position (GRCh38, 1-based): chr8:30,846,844, A>G on the plus strand (T>C on the coding strand, the complement: TEX15 is on the minus strand). VCF-style: chr8-30846844-A-G. GRCh37 (hg19) VCF-style: chr8-30704360-A-G.
Other names: c.2174T>C (NM_031271.3); short protein forms L1108P.
Identifiers: ClinVar variation 1030942 (VCV001030942.1), dbSNP rs1807627307, ClinGen allele CA370914914.